The following is an entry in ClinVar:

NM_001193313.2(SUGCT):c.485-6T>C

Gene: SUGCT (succinyl-CoA:glutarate-CoA transferase; plus strand). Cytogenetic location: 7p14.1.
Variant type: single nucleotide variant.
Coding change: c.485-6T>C on transcript NM_001193313.2 (MANE Select); 6 bases into the intron before coding-DNA position 485, T replaced by C.
Molecular consequence: intron variant.
Genome position (GRCh38, 1-based): chr7:40,237,629, T>C. VCF-style: chr7-40237629-T-C. GRCh37 (hg19) VCF-style: chr7-40277228-T-C.
Other names: c.485-6T>C (NM_001193311.2, NM_001193312.2); c.374-6T>C (NM_024728.3).
Identifiers: ClinVar variation 559091 (VCV000559091.16), dbSNP rs76667176, ClinGen allele CA4229500.

ClinVar aggregate classification (germline): Benign. Review status: criteria provided, multiple submitters, no conflicts (2 of 4 stars). 4 submissions from 4 submitters: Benign (2). 2 of the submissions do not count toward it. Last evaluated 2026-01-27.

Conditions:
SUGCT-related disorder. Also called: SUGCT-related condition.

Allele frequency attached by ClinVar (database versions not stated): gnomAD exomes 0.03678 and 0.02832; ExAC 0.03780; ESP Exome Variant Server 0.06348; 1000 Genomes Project 0.06230; 1000 Genomes Project 30x 0.06496; gnomAD 0.06608 and 0.06983; TOPMed 0.07406.
gnomAD v4.1: 51,649 of 1,612,812 alleles (3.2%); highest among the groups gnomAD compares: African/African-American, 17%; 1,769 homozygotes.

Submissions (4):

Labcorp Genetics (formerly Invitae), Labcorp
Classification: Benign. Last evaluated: 2026-01-27. Review status: criteria provided, single submitter. Criteria: Invitae Variant Classification Sherloc (09022015). Collection method: clinical testing. Allele origin: germline.

GeneDx
Classification: Benign. Last evaluated: 2018-07-09. Review status: criteria provided, single submitter. Criteria: GeneDx Variant Classification Process June 2021. Collection method: clinical testing. Allele origin: germline. Affected: yes.

PreventionGenetics, part of Exact Sciences
Classification: Benign for SUGCT-related condition. Last evaluated: 2019-11-12. Review status: no assertion criteria provided. Collection method: clinical testing. Allele origin: germline. Not counted in ClinVar's aggregate classification.
Comment: This variant is classified as benign based on ACMG/AMP sequence variant interpretation guidelines (Richards et al. 2015 PMID: 25741868, with internal and published modifications).

Mayo Clinic Laboratories, Mayo Clinic
Classification: Benign. Last evaluated: 2015-10-26. Review status: no assertion criteria provided. Collection method: clinical testing. Allele origin: unknown. Not counted in ClinVar's aggregate classification.